The following is an entry in ClinVar:

ClinVar aggregate classification (germline): Uncertain significance (1 of 4 stars; one submission).

Allele frequency attached by ClinVar (database versions not stated): gnomAD exomes 0.00001; ExAC 0.00002.
gnomAD v4.1: 3 of 1,614,168 alleles (0.00019%); highest among the groups gnomAD compares: Non-Finnish European, 0.00025%; no homozygotes.

Submission:

Labcorp Genetics (formerly Invitae), Labcorp
Classification: Uncertain significance. Last evaluated: 2021-05-06. Review status: criteria provided, single submitter. Criteria: Invitae Variant Classification Sherloc (09022015). Collection method: clinical testing. Allele origin: germline.
Comment: In summary, the available evidence is currently insufficient to determine the role of this variant in disease. Therefore, it has been classified as a Variant of Uncertain Significance. Algorithms developed to predict the effect of missense changes on protein structure and function are either unavailable or do not agree on the potential impact of this missense change (SIFT: "Deleterious"; PolyPhen-2: "Probably Damaging"; Align-GVGD: "Class C0"). This variant has not been reported in the literature in individuals with RNF31-related conditions. This variant is present in population databases (rs762882834, ExAC 0.004%). This sequence change replaces glutamine with histidine at codon 357 of the RNF31 protein (p.Gln357His). The glutamine residue is moderately conserved and there is a small physicochemical difference between glutamine and histidine.

NM_017999.5(RNF31):c.1071G>C (p.Gln357His)

Gene: RNF31 (ring finger protein 31; plus strand). Cytogenetic location: 14q12.
Variant type: single nucleotide variant.
Coding change: c.1071G>C on transcript NM_017999.5 (MANE Select); coding-DNA position 1071, G replaced by C.
Protein change: p.Gln357His; replaces glutamine 357 with histidine.
Molecular consequence: missense variant.
Genome position (GRCh38, 1-based): chr14:24,150,322, G>C. VCF-style: chr14-24150322-G-C. GRCh37 (hg19) VCF-style: chr14-24619531-G-C.
Other names: c.618G>C, p.Gln206His (NM_001310332.2); short protein forms Q206H, Q357H.
Identifiers: ClinVar variation 1487211 (VCV001487211.8), dbSNP rs762882834, ClinGen allele CA7125692.
Genomic context (GRCh38, chr14:24,150,322, plus strand): 5'-GGGTCCCCAAGGAACTGGAGGCCTAGAACCTGATCTTGCACGGGGTCGGTGGGCCTGCCA[G>C]AGCTGTACCTTTGAGAATGAGGCAGCTGCTGTGCTATGTTCCATATGTGAGCGACCTCGG-3'
Protein context (NP_060469.4, residues 347-367): PDLARGRWAC[Gln357His]SCTFENEAAA